The following is an entry in ClinVar:

NM_024312.5(GNPTAB):c.2533C>T (p.Gln845Ter)

Gene: GNPTAB (N-acetylglucosamine-1-phosphate transferase subunits alpha and beta; minus strand). Cytogenetic location: 12q23.2.
Variant type: single nucleotide variant.
Coding change: c.2533C>T on transcript NM_024312.5 (MANE Select); coding-DNA position 2533, C replaced by T.
Protein change: p.Gln845Ter; replaces glutamine 845 with a stop codon.
Molecular consequence: nonsense.
Genome position (GRCh38, 1-based): chr12:101,764,384, G>A on the plus strand (C>T on the coding strand, the complement: GNPTAB is on the minus strand). VCF-style: chr12-101764384-G-A. GRCh37 (hg19) VCF-style: chr12-102158162-G-A.
Other names: AY687932:c.2533C>T; short protein forms Q845*.
Identifiers: ClinVar variation 38419 (VCV000038419.5), dbSNP rs281865028, ClinGen allele CA343068.

ClinVar aggregate classification (germline): Pathogenic. Review status: criteria provided, single submitter (1 of 4 stars). 2 submissions from 2 submitters: Pathogenic (1). 1 of the submissions does not count toward it.

Conditions:
Mucolipidosis type II. Also called: Mucolipidosis II Alpha/Beta; ML II ALPHA/BETA; Mucolipidosis 2; ML 2; Inclusion cell disease; Leroy Disease. Identifiers: Orphanet 576, MedGen C2673377, MONDO:0009650, OMIM 252500.
Pseudo-Hurler polydystrophy. Also called: Type III Mucolipidosis; Mucolipidosis III Alpha/Beta; MUCOLIPIDOSIS IIIA; ML IIIA; ML III; ML III ALPHA/BETA. Identifiers: Orphanet 423461, Orphanet 577, MedGen C0033788, MONDO:0018931, OMIM 252600.

Submissions (2):

Juno Genomics, Hangzhou Juno Genomics, Inc
Classification: Pathogenic for Mucolipidosis type II; Pseudo-Hurler polydystrophy. Review status: criteria provided, single submitter. Criteria: ACMG Guidelines, 2015. Collection method: clinical testing. Allele origin: germline.
Comment: Absent from controls (or at extremely low frequency if recessive) in Genome Aggregation Database.;Null variant in a gene where loss of function (LOF) is a known mechanism of disease.;For recessive disorders, detected in trans with a pathogenic variant.

GeneReviews
Classification: Pathogenic for Mucolipidosis III Alpha/Beta. Last evaluated: 2012-05-10. Review status: no assertion criteria provided. Collection method: curation. Allele origin: unknown. Not counted in ClinVar's aggregate classification.
ClinVar note: Converted during submission from pathologic to Pathogenic.